The following is an entry in ClinVar:

NM_000069.3(CACNA1S):c.2310C>T (p.Ala770=)

Gene: CACNA1S (calcium voltage-gated channel subunit alpha1 S; minus strand). Cytogenetic location: 1q32.1.
Variant type: single nucleotide variant.
Coding change: c.2310C>T on transcript NM_000069.3 (MANE Select); coding-DNA position 2310, C replaced by T.
Protein change: p.Ala770=; no amino-acid change (alanine 770 retained).
Molecular consequence: synonymous variant.
Genome position (GRCh38, 1-based): chr1:201,070,322, G>A on the plus strand (C>T on the coding strand, the complement: CACNA1S is on the minus strand). VCF-style: chr1-201070322-G-A. GRCh37 (hg19) VCF-style: chr1-201039450-G-A.
Identifiers: ClinVar variation 515518 (VCV000515518.12), dbSNP rs113659687, ClinGen allele CA078923.
Genomic context (GRCh38, chr1:201,070,322, plus strand): 5'-GGGCACCCACTTATTGGTGGGGCTGAAGATGAAGAAGGAGCTGGCTTCTGGAATGGGCAC[G>A]GCCTTCTCTTTCAGCTGCAGCTCAGCCAGGGGACGTGGTCGGGGGCTCAGCGGGATCTCA-3'
Protein context (NP_000060.2, residues 760-780): PLAELQLKEK[Ala770=]VPIPEASSFF

ClinVar aggregate classification (germline): Likely benign. Review status: criteria provided, multiple submitters, no conflicts (2 of 4 stars). 8 submissions from 5 submitters: Likely benign (8). Last evaluated 2025-12-21.

Conditions:
Malignant hyperthermia, susceptibility to, 5 (MHS5). Also called: CACNA1S-Related Malignant Hyperthermia Susceptibility. Identifiers: Orphanet 423, MedGen C1866077, MONDO:0011163, OMIM 601887.
Hypokalemic periodic paralysis, type 1. Also called: HypoPP; Hypokalemic Periodic Paralysis Type 1 (AD). Identifiers: Orphanet 681, MedGen C3714580, MONDO:0042979, OMIM 170400.
Congenital myopathy 18. Also called: Myopathy, congenital, due to dihydropyridine receptor defect; DIHYDROPYRIDINE RECEPTOR CONGENITAL MYOPATHY; DHPR CONGENITAL MYOPATHY. Identifiers: MedGen C5830283, MONDO:0859514, OMIM 620246.
Thyrotoxic periodic paralysis, susceptibility to, 1 (TTPP1). Identifiers: Orphanet 79102, MedGen C2749982, MONDO:0008570, OMIM 188580.

Allele frequency attached by ClinVar (database versions not stated): ExAC 0.00002; gnomAD 0.00002; gnomAD exomes 0.00002; TOPMed 0.00003; ESP Exome Variant Server 0.00008.

Submissions (8):

Labcorp Genetics (formerly Invitae), Labcorp
Classification: Likely benign for Hypokalemic periodic paralysis, type 1; Malignant hyperthermia, susceptibility to, 5. Last evaluated: 2025-12-21. Review status: criteria provided, single submitter. Criteria: Invitae Variant Classification Sherloc (09022015). Collection method: clinical testing. Allele origin: germline.

Blueprint Genetics
Classification: Likely benign. Last evaluated: 2024-03-26. Review status: criteria provided, single submitter. Criteria: ACMG Guidelines, 2015. Collection method: clinical testing. Allele origin: germline.

Genome-Nilou Lab
Classification: Likely benign for Malignant hyperthermia, susceptibility to, 5. Last evaluated: 2023-04-11. Review status: criteria provided, single submitter. Criteria: ACMG Guidelines, 2015. Collection method: clinical testing. Allele origin: germline. Affected: no.

Genome-Nilou Lab
Classification: Likely benign for Thyrotoxic periodic paralysis, susceptibility to, 1. Last evaluated: 2023-04-11. Review status: criteria provided, single submitter. Criteria: ACMG Guidelines, 2015. Collection method: clinical testing. Allele origin: germline. Affected: no.

Genome-Nilou Lab
Classification: Likely benign for Congenital myopathy 18. Last evaluated: 2023-04-11. Review status: criteria provided, single submitter. Criteria: ACMG Guidelines, 2015. Collection method: clinical testing. Allele origin: germline. Affected: no.

Genome-Nilou Lab
Classification: Likely benign for Hypokalemic periodic paralysis, type 1. Last evaluated: 2023-04-11. Review status: criteria provided, single submitter. Criteria: ACMG Guidelines, 2015. Collection method: clinical testing. Allele origin: germline. Affected: no.

Color Diagnostics, LLC DBA Color Health
Classification: Likely benign for Malignant hyperthermia, susceptibility to, 5. Last evaluated: 2022-11-06. Review status: criteria provided, single submitter. Criteria: ACMG Guidelines, 2015. Collection method: clinical testing. Allele origin: germline.

GeneDx
Classification: Likely benign. Last evaluated: 2018-02-22. Review status: criteria provided, single submitter. Criteria: GeneDx Variant Classification (06012015). Collection method: clinical testing. Allele origin: germline. Affected: yes.
Comment: This variant is considered likely benign or benign based on one or more of the following criteria: it is a conservative change, it occurs at a poorly conserved position in the protein, it is predicted to be benign by multiple in silico algorithms, and/or has population frequency not consistent with disease.